The following is an entry in ClinVar:

NM_015910.7(WDPCP):c.500-333T>C

Gene: WDPCP (WD repeat containing planar cell polarity effector; minus strand). Cytogenetic location: 2p15.
Variant type: single nucleotide variant.
Coding change: c.500-333T>C on transcript NM_015910.7 (MANE Select); 333 bases into the intron before coding-DNA position 500, T replaced by C.
Molecular consequence: intron variant. On other transcripts: 5 prime UTR variant (1), non-coding transcript variant (1).
Genome position (GRCh38, 1-based): chr2:63,437,887, A>G on the plus strand (T>C on the coding strand, the complement: WDPCP is on the minus strand). VCF-style: chr2-63437887-A-G. GRCh37 (hg19) VCF-style: chr2-63665021-A-G.
Other names: c.-4T>C (NM_001042692.3); c.428-333T>C (NM_001354044.2); c.500-333T>C (NM_001354045.2).
Identifiers: ClinVar variation 3353669 (VCV003353669.1).

ClinVar aggregate classification (germline): Likely benign (0 of 4 stars; one submission).

Conditions:
WDPCP-related disorder. Also called: WDPCP-related condition.

gnomAD v4.1: 4 of 1,596,064 alleles (0.00025%); highest among the groups gnomAD compares: Non-Finnish European, 0.00034%; no homozygotes.

Submission:

PreventionGenetics, part of Exact Sciences
Classification: Likely benign for WDPCP-related condition. Last evaluated: 2022-05-23. Review status: no assertion criteria provided. Collection method: clinical testing. Allele origin: germline.
Comment: This variant is classified as likely benign based on ACMG/AMP sequence variant interpretation guidelines (Richards et al. 2015 PMID: 25741868, with internal and published modifications).